The following is an entry in ClinVar:

ClinVar aggregate classification (germline): Uncertain significance. Review status: criteria provided, multiple submitters, no conflicts (2 of 4 stars). 2 submissions from 2 submitters: Uncertain significance (2). Last evaluated 2025-11-01.

Conditions:
Dilated cardiomyopathy 1G (CMD1G). Identifiers: Orphanet 154, MedGen C1858763, MONDO:0011400, OMIM 604145.
Autosomal recessive limb-girdle muscular dystrophy type 2J (LGMDR10). Also called: MUSCULAR DYSTROPHY, LIMB-GIRDLE, AUTOSOMAL RECESSIVE 10; Limb-girdle muscular dystrophy, type 2J. Identifiers: Orphanet 140922, MedGen C1837342, MONDO:0012127, OMIM 608807.

Allele frequency attached by ClinVar (database versions not stated): TOPMed below 0.00001; gnomAD 0.00001; gnomAD exomes 0.00001 and 0.00002; ExAC 0.00002.
gnomAD v4.1: 11 of 1,613,876 alleles (0.00068%); highest among the groups gnomAD compares: East Asian, 0.0067%; no homozygotes.

Submissions (2):

CeGaT Center for Human Genetics Tuebingen
Classification: Uncertain significance. Last evaluated: 2025-11-01. Review status: criteria provided, single submitter. Criteria: CeGaT Center For Human Genetics Tuebingen Variant Classification Criteria Version 2. Collection method: clinical testing. Allele origin: germline. Affected: yes. Observed: 1 variant allele.
Comment: TTN: PM2

Labcorp Genetics (formerly Invitae), Labcorp
Classification: Uncertain significance for Dilated cardiomyopathy 1G; Autosomal recessive limb-girdle muscular dystrophy type 2J. Last evaluated: 2024-11-13. Review status: criteria provided, single submitter. Criteria: Invitae Variant Classification Sherloc (09022015). Collection method: clinical testing. Allele origin: germline.
Comment: This sequence change replaces aspartic acid, which is acidic and polar, with asparagine, which is neutral and polar, at codon 35153 of the TTN protein (p.Asp35153Asn). This variant is present in population databases (rs778907927, gnomAD 0.02%). This variant has not been reported in the literature in individuals affected with TTN-related conditions. ClinVar contains an entry for this variant (Variation ID: 1003110). Experimental studies and prediction algorithms are not available or were not evaluated, and the functional significance of this variant is currently unknown. This variant is located in the M band of TTN (PMID: 25589632). Non-truncating variants in this region may be relevant for neuromuscular disorders, but have not been definitively shown to cause cardiomyopathy (PMID: 23975875). In summary, the available evidence is currently insufficient to determine the role of this variant in disease. Therefore, it has been classified as a Variant of Uncertain Significance.

Literature cited by the submitters: PubMed 25589632 (cited by Labcorp Genetics (formerly Invitae), Labcorp); PubMed 23975875 (cited by Labcorp Genetics (formerly Invitae), Labcorp).

NM_001267550.2(TTN):c.105457G>A (p.Asp35153Asn)

Genes: TTN (titin; minus strand), TTN-AS1 (TTN antisense RNA 1; plus strand). Cytogenetic location: 2q31.2.
Variant type: single nucleotide variant.
Coding change: c.105457G>A on transcript NM_001267550.2 (MANE Select); coding-DNA position 105457, G replaced by A.
Protein change: p.Asp35153Asn; replaces aspartic acid 35153 with asparagine.
Molecular consequence: missense variant.
Genome position (GRCh38, 1-based): chr2:178,531,158, C>T on the plus strand (G>A on the coding strand, the complement: TTN is on the minus strand). VCF-style: chr2-178531158-C-T. GRCh37 (hg19) VCF-style: chr2-179395885-C-T.
Other names: c.100534G>A, p.Asp33512Asn (NM_001256850.1); c.78262G>A, p.Asp26088Asn (NM_003319.4); c.97753G>A, p.Asp32585Asn (NM_133378.4); c.78637G>A, p.Asp26213Asn (NM_133432.3); c.78838G>A, p.Asp26280Asn (NM_133437.4); short protein forms D26088N, D26213N, D26280N, D32585N, D33512N, D35153N.
Identifiers: ClinVar variation 1003110 (VCV001003110.14), dbSNP rs778907927, ClinGen allele CA1985255.
Genomic context (GRCh38, chr2:178,531,158, plus strand): 5'-CAGAAGTACTTAGCACTTGTCCTTTACGCAGCCAGGTCACAGTTGGTACCGGCTCACCAT[C>T]GGTGTCACAAGAAAACCTTGCAGACTCGCCCTCGTAGACGGTCATGGACCGTGGCTTTGT-3'
Protein context (NP_001254479.2, residues 35143-35163): GESARFSCDT[Asp35153Asn]GEPVPTVTWL